The following is an entry in ClinVar:

ClinVar aggregate classification (germline): Benign/Likely benign. Review status: criteria provided, multiple submitters, no conflicts (2 of 4 stars). 12 submissions from 12 submitters: Benign (8); Likely benign (1). 3 of the submissions do not count toward it. Last evaluated 2026-02-04.

Conditions:
Congenital muscular dystrophy due to partial LAMA2 deficiency. Identifiers: MedGen C1842898.
Merosin deficient congenital muscular dystrophy (MDC1A). Also called: Congenital merosin-deficient muscular dystrophy 1A; Congenital Muscular Dystrophy Type 1A (MDC1A). Identifiers: Orphanet 258, MedGen C1263858, MONDO:0011925, OMIM 607855.
LAMA2-related muscular dystrophy (LAMA2-RD). Also called: Laminin alpha 2-related dystrophy. Identifiers: MedGen C5679788, MONDO:0100228.

Allele frequency attached by ClinVar (database versions not stated): gnomAD exomes 0.15016 and 0.17374; ExAC 0.18276; gnomAD 0.25123 and 0.25723; TOPMed 0.25742; ESP Exome Variant Server 0.26972; 1000 Genomes Project 0.27097; 1000 Genomes Project 30x 0.27514.
gnomAD v4.1: 255,707 of 1,595,278 alleles (16%); highest among the groups gnomAD compares: African/African-American, 54%; 27,206 homozygotes.

Submissions (12):

Labcorp Genetics (formerly Invitae), Labcorp
Classification: Benign for LAMA2-related muscular dystrophy. Last evaluated: 2026-02-04. Review status: criteria provided, single submitter. Criteria: Invitae Variant Classification Sherloc (09022015). Collection method: clinical testing. Allele origin: germline.

Blueprint Genetics
Classification: Likely benign. Last evaluated: 2024-11-26. Review status: criteria provided, single submitter. Criteria: ACMG Guidelines, 2015. Collection method: clinical testing. Allele origin: germline.

Mayo Clinic Laboratories, Mayo Clinic
Classification: Benign. Last evaluated: 2018-03-12. Review status: criteria provided, single submitter. Criteria: ACMG Guidelines, 2015. Collection method: clinical testing. Allele origin: germline. Observed: 891 variant alleles.

Illumina Laboratory Services, Illumina
Classification: Benign for Congenital muscular dystrophy due to partial LAMA2 deficiency. Last evaluated: 2018-01-13. Review status: criteria provided, single submitter. Criteria: ICSL Variant Classification Criteria 13 December 2019. Collection method: clinical testing. Allele origin: germline.
Comment: This variant was observed in the ICSL laboratory as part of a predisposition screen in an ostensibly healthy population. It had not been previously curated by ICSL or reported in the Human Gene Mutation Database (HGMD: prior to June 1st, 2018), and was therefore a candidate for classification through an automated scoring system. Utilizing variant allele frequency, disease prevalence and penetrance estimates, and inheritance mode, an automated score was calculated to assess if this variant is too frequent to cause the disease. Based on the score and internal cut-off values, a variant classified as benign is not then subjected to further curation. The score for this variant resulted in a classification of benign for this disease.

Athena Diagnostics
Classification: Benign for Merosin deficient congenital muscular dystrophy. Last evaluated: 2017-04-13. Review status: criteria provided, single submitter. Criteria: Athena Diagnostics Criteria. Collection method: clinical testing. Allele origin: germline.

Eurofins Ntd Llc (ga)
Classification: Benign. Last evaluated: 2016-01-20. Review status: criteria provided, single submitter. Criteria: EGL Classification Definitions 2015. Collection method: clinical testing. Allele origin: germline. Observed: 35 variant alleles, 29 heterozygotes, 6 homozygotes.

GeneDx
Classification: Benign. Last evaluated: 2016-01-05. Review status: criteria provided, single submitter. Criteria: GeneDx Variant Classification (06012015). Collection method: clinical testing. Allele origin: germline. Affected: yes.
Comment: This variant is considered likely benign or benign based on one or more of the following criteria: it is a conservative change, it occurs at a poorly conserved position in the protein, it is predicted to be benign by multiple in silico algorithms, and/or has population frequency not consistent with disease.

Genetic Services Laboratory, University of Chicago
Classification: Benign for AllHighlyPenetrant. Last evaluated: 2013-08-15. Review status: criteria provided, single submitter. Criteria: ACMG Guidelines, 2007. Collection method: clinical testing. Allele origin: germline. Inheritance: Autosomal recessive inheritance.

PreventionGenetics, part of Exact Sciences
Classification: Benign. Review status: criteria provided, single submitter. Criteria: ACMG Guidelines, 2015. Collection method: clinical testing. Allele origin: germline.

Clinical Genetics, Academic Medical Center
Classification: Benign. Review status: no assertion criteria provided. Collection method: clinical testing. Allele origin: germline. Affected: yes. Study: VKGL Data-share Consensus. Not counted in ClinVar's aggregate classification.

Diagnostic Laboratory, Department of Genetics, University Medical Center Groningen
Classification: Benign for Merosin deficient congenital muscular dystrophy. Review status: no assertion criteria provided. Collection method: clinical testing. Allele origin: germline. Affected: yes. Study: VKGL Data-share Consensus. Not counted in ClinVar's aggregate classification.

Joint Genome Diagnostic Labs from Nijmegen and Maastricht, Radboudumc and MUMC+
Classification: Benign. Review status: no assertion criteria provided. Collection method: clinical testing. Allele origin: germline. Affected: yes. Study: VKGL Data-share Consensus. Not counted in ClinVar's aggregate classification.

Literature cited by the submitters: PubMed 12552556 (cited by Athena Diagnostics); PubMed 9674786 (cited by Athena Diagnostics).

NM_000426.4(LAMA2):c.1856G>A (p.Arg619His)

Gene: LAMA2 (laminin subunit alpha 2; plus strand). Cytogenetic location: 6q22.33.
Variant type: single nucleotide variant.
Coding change: c.1856G>A on transcript NM_000426.4 (MANE Select); coding-DNA position 1856, G replaced by A.
Protein change: p.Arg619His; replaces arginine 619 with histidine.
Molecular consequence: missense variant.
Genome position (GRCh38, 1-based): chr6:129,250,185, G>A. VCF-style: chr6-129250185-G-A. GRCh37 (hg19) VCF-style: chr6-129571330-G-A.
Other names: c.1856G>A, p.Arg619His (NM_001079823.2); short protein forms R619H.
Identifiers: ClinVar variation 92943 (VCV000092943.28), dbSNP rs3816665, ClinGen allele CA146105.
Genomic context (GRCh38, chr6:129,250,185, plus strand): 5'-GAGGACAGTTGACATTTACCATATCATATGACCTTGAAGAAGAGGAAGAAGATACAGAAC[G>A]TGTTCTCCAGCTTATGATTATCTTAGAGGTAGAGTACTGAGAGCATGTTCACCCGTGTTA-3'
Protein context (NP_000417.3, residues 609-629): DLEEEEEDTE[Arg619His]VLQLMIILEG